The following is an entry in ClinVar:

NM_001170629.2(CHD8):c.4298G>A (p.Arg1433His)

Gene: CHD8 (chromodomain helicase DNA binding protein 8; minus strand). Cytogenetic location: 14q11.2.
Variant type: single nucleotide variant.
Coding change: c.4298G>A on transcript NM_001170629.2 (MANE Select); coding-DNA position 4298, G replaced by A.
Protein change: p.Arg1433His; replaces arginine 1433 with histidine.
Molecular consequence: missense variant.
Genome position (GRCh38, 1-based): chr14:21,400,947, C>T on the plus strand (G>A on the coding strand, the complement: CHD8 is on the minus strand). VCF-style: chr14-21400947-C-T. GRCh37 (hg19) VCF-style: chr14-21869106-C-T.
Other names: c.3461G>A, p.Arg1154His (NM_020920.4); short protein forms R1154H, R1433H.
Identifiers: ClinVar variation 1739477 (VCV001739477.2), dbSNP rs1888004387, ClinGen allele CA388895084.

ClinVar aggregate classification (germline): Uncertain significance (1 of 4 stars; one submission).

Conditions:
Inborn genetic diseases. Identifiers: MedGen C0950123, MeSH D030342.

Allele frequency attached by ClinVar (database versions not stated): gnomAD exomes below 0.00001; TOPMed below 0.00001.
gnomAD v4.1: 5 of 1,613,858 alleles (0.00031%); highest among the groups gnomAD compares: South Asian, 0.0011%; no homozygotes.

Submission:

Ambry Genetics
Classification: Uncertain significance for Inborn genetic diseases. Last evaluated: 2018-04-02. Review status: criteria provided, single submitter. Criteria: Ambry Variant Classification Scheme 2023. Collection method: clinical testing. Allele origin: germline.
Comment: The p.R1433H variant (also known as c.4298G>A), located in coding exon 21 of the CHD8 gene, results from a G to A substitution at nucleotide position 4298. The arginine at codon 1433 is replaced by histidine, an amino acid with highly similar properties. This amino acid position is not well conserved in available vertebrate species. In addition, this alteration is predicted to be tolerated by in silico analysis. Since supporting evidence is limited at this time, the clinical significance of this alteration remains unclear.